The following is an entry in ClinVar:

ClinVar aggregate classification (germline): Uncertain significance (1 of 4 stars; one submission).

Submission:

Labcorp Genetics (formerly Invitae), Labcorp
Classification: Uncertain significance. Last evaluated: 2023-12-11. Review status: criteria provided, single submitter. Criteria: Invitae Variant Classification Sherloc (09022015). Collection method: clinical testing. Allele origin: germline.
Comment: This sequence change replaces glycine, which is neutral and non-polar, with arginine, which is basic and polar, at codon 3 of the COA7 protein (p.Gly3Arg). This variant is present in population databases (rs778029694, gnomAD 0.04%). This variant has not been reported in the literature in individuals affected with COA7-related conditions. ClinVar contains an entry for this variant (Variation ID: 2066803). An algorithm developed to predict the effect of missense changes on protein structure and function (PolyPhen-2) suggests that this variant is likely to be disruptive. In summary, the available evidence is currently insufficient to determine the role of this variant in disease. Therefore, it has been classified as a Variant of Uncertain Significance.

NM_023077.3(COA7):c.7G>C (p.Gly3Arg)

Gene: COA7 (cytochrome c oxidase assembly factor 7; minus strand). Cytogenetic location: 1p32.3.
Variant type: single nucleotide variant.
Coding change: c.7G>C on transcript NM_023077.3 (MANE Select); coding-DNA position 7, G replaced by C.
Protein change: p.Gly3Arg; replaces glycine 3 with arginine.
Molecular consequence: missense variant.
Genome position (GRCh38, 1-based): chr1:52,698,320, C>G on the plus strand (G>C on the coding strand, the complement: COA7 is on the minus strand). VCF-style: chr1-52698320-C-G. GRCh37 (hg19) VCF-style: chr1-53163992-C-G.
Other names: short protein forms G3R.
Identifiers: ClinVar variation 2066803 (VCV002066803.4), dbSNP rs778029694, ClinGen allele CA855790.
Genomic context (GRCh38, chr1:52,698,320, plus strand): 5'-CCACCTCCATGTTCTCCAAAAAGGACTTGACCTGCTCCTCATCCTGGAAGTCCACCATGC[C>G]GGCCATGGTTCGCGCCGGCCCAAAGACGGTCACGTGAGCCGGCGGAGGGGGCGGGGCGGG-3'
Protein context (NP_075565.2, residues 1-13): MA[Gly3Arg]MVDFQDEEQV